The following is an entry in ClinVar:

ClinVar aggregate classification (germline): Uncertain significance (1 of 4 stars; one submission).

Conditions:
Alstrom syndrome (ALMS). Identifiers: Orphanet 64, MedGen C0268425, MONDO:0008763, OMIM 203800.

gnomAD v4.1: 1 of 1,613,982 alleles (0.000062%); highest among the groups gnomAD compares: Non-Finnish European, 0.000085%; no homozygotes.

Submission:

Labcorp Genetics (formerly Invitae), Labcorp
Classification: Uncertain significance for Alstrom syndrome. Last evaluated: 2020-10-08. Review status: criteria provided, single submitter. Criteria: Invitae Variant Classification Sherloc (09022015). Collection method: clinical testing. Allele origin: germline.
Comment: This sequence change replaces lysine with glutamine at codon 3953 of the ALMS1 protein (p.Lys3953Gln). The lysine residue is moderately conserved and there is a small physicochemical difference between lysine and glutamine. This variant is not present in population databases (ExAC no frequency). This variant has not been reported in the literature in individuals with ALMS1-related conditions. Experimental studies and prediction algorithms are not available or were not evaluated, and the functional significance of this variant is currently unknown. In summary, the available evidence is currently insufficient to determine the role of this variant in disease. Therefore, it has been classified as a Variant of Uncertain Significance.

NM_001378454.1(ALMS1):c.11854A>C (p.Lys3952Gln)

Gene: ALMS1 (ALMS1 centrosome and basal body associated protein; plus strand). Cytogenetic location: 2p13.1.
Variant type: single nucleotide variant.
Coding change: c.11854A>C on transcript NM_001378454.1 (MANE Select); coding-DNA position 11854, A replaced by C.
Protein change: p.Lys3952Gln; replaces lysine 3952 with glutamine.
Molecular consequence: missense variant.
Genome position (GRCh38, 1-based): chr2:73,600,863, A>C. VCF-style: chr2-73600863-A-C. GRCh37 (hg19) VCF-style: chr2-73827990-A-C.
Other names: c.11857A>C, p.Lys3953Gln (NM_015120.4); short protein forms K3952Q, K3953Q.
Identifiers: ClinVar variation 1053133 (VCV001053133.4), dbSNP rs771282076, ClinGen allele CA347265082.